The following is an entry in ClinVar:

NM_201548.5(CERKL):c.156_157insT (p.Glu53Ter)

Gene: CERKL (CERK like autophagy regulator; minus strand). Cytogenetic location: 2q31.3.
Variant type: Insertion.
Coding change: c.156_157insT on transcript NM_201548.5 (MANE Select); coding-DNA positions 156 to 157, T inserted.
Protein change: p.Glu53Ter; replaces glutamic acid 53 with a stop codon.
Molecular consequence: nonsense. On other transcripts: non-coding transcript variant (2).
Genome position: GRCh38 VCF-style: chr2-181656850-C-CA. GRCh37 (hg19) VCF-style: chr2-182521577-C-CA.
Other names: c.156_157insT, p.Glu53Ter (NM_001030311.3, NM_001030312.3, NM_001030313.3 and 1 more transcripts); short protein forms E53*.
Identifiers: ClinVar variation 1068912 (VCV001068912.11), dbSNP rs1574077466, ClinGen allele CA916724793.

ClinVar aggregate classification (germline): Pathogenic. Review status: criteria provided, multiple submitters, no conflicts (2 of 4 stars). 3 submissions from 3 submitters: Pathogenic (3). Last evaluated 2024-03-26.

Conditions:
CERKL-related disorders.
Retinitis pigmentosa 26 (RP26). Identifiers: Orphanet 791, MedGen C1842127, MONDO:0012024, OMIM 608380.

Submissions (3):

Baylor Genetics
Classification: Pathogenic for Retinitis pigmentosa 26. Last evaluated: 2024-03-26. Review status: criteria provided, single submitter. Criteria: ACMG Guidelines, 2015. Collection method: clinical testing. Allele origin: unknown.

Labcorp Genetics (formerly Invitae), Labcorp
Classification: Pathogenic. Last evaluated: 2022-10-24. Review status: criteria provided, single submitter. Criteria: Invitae Variant Classification Sherloc (09022015). Collection method: clinical testing. Allele origin: germline.
Comment: This sequence change creates a premature translational stop signal (p.Glu53*) in the CERKL gene. It is expected to result in an absent or disrupted protein product. Loss-of-function variants in CERKL are known to be pathogenic (PMID: 14681825, 23591405, 24043777). For these reasons, this variant has been classified as Pathogenic. ClinVar contains an entry for this variant (Variation ID: 1068912). This premature translational stop signal has been observed in individual(s) with CERKL-related conditions (PMID: 19667359). In at least one individual the data is consistent with being in trans (on the opposite chromosome) from a pathogenic variant. It has also been observed to segregate with disease in related individuals. This variant is not present in population databases (gnomAD no frequency).

Blueprint Genetics
Classification: Pathogenic for CERKL-related disorders. Last evaluated: 2020-01-31. Review status: criteria provided, single submitter. Criteria: ACMG Guidelines, 2015. Collection method: clinical testing. Allele origin: germline. Affected: yes. Observed: 1 variant allele.

Literature cited by the submitters: PubMed 14681825 (cited by Labcorp Genetics (formerly Invitae), Labcorp); PubMed 23591405 (cited by Labcorp Genetics (formerly Invitae), Labcorp); PubMed 24043777 (cited by Labcorp Genetics (formerly Invitae), Labcorp); PubMed 19667359 (cited by Labcorp Genetics (formerly Invitae), Labcorp).